The following is an entry in ClinVar:

ClinVar aggregate classification (germline): Uncertain significance (1 of 4 stars; one submission).

Conditions:
Oto-palato-digital syndrome, type II (OPD2). Also called: FACIOPALATOOSSEOUS SYNDROME; OPD II SYNDROME; Otopalatodigital Syndrome Type 2 (FLNA-OPD2); Otopalatodigital Syndrome, Type II. Identifiers: Orphanet 669, Orphanet 90652, MedGen C1844696, MONDO:0010571, OMIM 304120.
Melnick-Needles syndrome (MNS). Also called: MELNICK-NEEDLES OSTEODYSPLASTY; OSTEODYSPLASTY OF MELNICK AND NEEDLES; Melnick-Needles Syndrome (FLNA-MNS). Identifiers: Orphanet 2484, MedGen C0025237, MONDO:0010650, OMIM 309350.
Frontometaphyseal dysplasia (FMD1). Identifiers: Orphanet 1826, MedGen C0265293, MONDO:0015942.
Heterotopia, periventricular, X-linked dominant (PVNH1). Also called: PERIVENTRICULAR NODULAR HETEROTOPIA 1; X-linked periventricular heterotopia; PERIVENTRICULAR NODULAR HETEROTOPIA 4; HETEROTOPIA, PERIVENTRICULAR, 1. Identifiers: Orphanet 2149, Orphanet 82004, MedGen C1848213, MONDO:0010233, OMIM 300049.

Allele frequency attached by ClinVar (database versions not stated): gnomAD exomes below 0.00001.
gnomAD v4.1: 1 of 1,211,108 alleles (0.000083%); highest among the groups gnomAD compares: African/African-American, 0.0017%; no homozygotes.

Submission:

Labcorp Genetics (formerly Invitae), Labcorp
Classification: Uncertain significance for Oto-palato-digital syndrome, type II; Heterotopia, periventricular, X-linked dominant; Frontometaphyseal dysplasia; Melnick-Needles syndrome. Last evaluated: 2022-11-01. Review status: criteria provided, single submitter. Criteria: Invitae Variant Classification Sherloc (09022015). Collection method: clinical testing. Allele origin: germline.
Comment: In summary, the available evidence is currently insufficient to determine the role of this variant in disease. Therefore, it has been classified as a Variant of Uncertain Significance. Advanced modeling of protein sequence and biophysical properties (such as structural, functional, and spatial information, amino acid conservation, physicochemical variation, residue mobility, and thermodynamic stability) performed at Invitae indicates that this missense variant is not expected to disrupt FLNA protein function. This variant has not been reported in the literature in individuals affected with FLNA-related conditions. This variant is not present in population databases (gnomAD no frequency). This sequence change replaces threonine, which is neutral and polar, with isoleucine, which is neutral and non-polar, at codon 1286 of the FLNA protein (p.Thr1286Ile).

NM_001110556.2(FLNA):c.3857C>T (p.Thr1286Ile)

Gene: FLNA (filamin A; minus strand). Cytogenetic location: Xq28.
Variant type: single nucleotide variant.
Coding change: c.3857C>T on transcript NM_001110556.2 (MANE Select); coding-DNA position 3857, C replaced by T.
Protein change: p.Thr1286Ile; replaces threonine 1286 with isoleucine.
Molecular consequence: missense variant.
Genome position (GRCh38, 1-based): chrX:154,359,854, G>A on the plus strand (C>T on the coding strand, the complement: FLNA is on the minus strand). VCF-style: chrX-154359854-G-A. GRCh37 (hg19) VCF-style: chrX-153588222-G-A.
Other names: c.3857C>T, p.Thr1286Ile (NM_001456.4); short protein forms T1286I.
Identifiers: ClinVar variation 1993839 (VCV001993839.4), dbSNP rs2522739813, ClinGen allele CA415222224.